The following is an entry in ClinVar:

NM_133433.4(NIPBL):c.5710-22T>C

Gene: NIPBL (NIPBL cohesin loading factor; plus strand). Cytogenetic location: 5p13.2.
Variant type: single nucleotide variant.
Coding change: c.5710-22T>C on transcript NM_133433.4 (MANE Select); 22 bases into the intron before coding-DNA position 5710, T replaced by C.
Molecular consequence: intron variant.
Genome position (GRCh38, 1-based): chr5:37,026,207, T>C. VCF-style: chr5-37026207-T-C. GRCh37 (hg19) VCF-style: chr5-37026309-T-C.
Other names: c.5710-22T>C (NM_015384.5).
Identifiers: ClinVar variation 3049571 (VCV003049571.3), dbSNP rs193011921, ClinGen allele CA3236834.

ClinVar aggregate classification (germline): Likely benign. Review status: criteria provided, single submitter (1 of 4 stars). 2 submissions from 2 submitters: Likely benign (1). 1 of the submissions does not count toward it. Last evaluated 2024-10-09.

Conditions:
NIPBL-related disorder. Also called: NIPBL-related condition.

Allele frequency attached by ClinVar (database versions not stated): gnomAD 0.00015; gnomAD exomes 0.00022; TOPMed 0.00026; 1000 Genomes Project 30x 0.00078; ExAC 0.00090; 1000 Genomes Project 0.00100.
gnomAD v4.1: 298 of 1,408,268 alleles (0.021%); highest among the groups gnomAD compares: East Asian, 0.57%; 2 homozygotes.

Submissions (2):

Blueprint Genetics
Classification: Likely benign. Last evaluated: 2024-10-09. Review status: criteria provided, single submitter. Criteria: ACMG Guidelines, 2015. Collection method: clinical testing. Allele origin: germline.

PreventionGenetics, part of Exact Sciences
Classification: Benign for NIPBL-related condition. Last evaluated: 2019-03-07. Review status: no assertion criteria provided. Collection method: clinical testing. Allele origin: germline. Not counted in ClinVar's aggregate classification.
Comment: This variant is classified as benign based on ACMG/AMP sequence variant interpretation guidelines (Richards et al. 2015 PMID: 25741868, with internal and published modifications).